The following is an entry in ClinVar:

ClinVar aggregate classification (germline): Uncertain significance. Review status: criteria provided, multiple submitters, no conflicts (2 of 4 stars). 6 submissions from 6 submitters: Uncertain significance (6). Last evaluated 2026-02-04.

Conditions:
Dyskeratosis congenita. Identifiers: Orphanet 1775, MedGen C0265965, MONDO:0015780.
TINF2-related disorder. Also called: TINF2-related condition.
Dyskeratosis congenita, autosomal dominant 1 (DKCA1). Also called: Dyskeratosis congenita Scoggins type. Identifiers: Orphanet 1775, MedGen C4551974, MONDO:0007485, OMIM 127550. Inheritance: Variable.
Dyskeratosis congenita, autosomal dominant 3. Identifiers: MedGen C3151445, MONDO:0013522, OMIM 613990.
Revesz syndrome. Also called: EXUDATIVE RETINOPATHY WITH BONE MARROW FAILURE; DYSKERATOSIS CONGENITA, AUTOSOMAL DOMINANT 5. Identifiers: Orphanet 3088, MedGen C1327916, MONDO:0009990, OMIM 268130.

Allele frequency attached by ClinVar (database versions not stated): ExAC 0.00002; gnomAD exomes 0.00005 and 0.00011; TOPMed 0.00007; gnomAD 0.00012; ESP Exome Variant Server 0.00017.

Submissions (6):

Labcorp Genetics (formerly Invitae), Labcorp
Classification: Uncertain significance for Dyskeratosis congenita. Last evaluated: 2026-02-04. Review status: criteria provided, single submitter. Criteria: Invitae Variant Classification Sherloc (09022015). Collection method: clinical testing. Allele origin: germline.
Comment: This sequence change replaces leucine, which is neutral and non-polar, with phenylalanine, which is neutral and non-polar, at codon 135 of the TINF2 protein (p.Leu135Phe). This variant is present in population databases (rs199740488, gnomAD 0.01%). This variant has not been reported in the literature in individuals affected with TINF2-related conditions. ClinVar contains an entry for this variant (Variation ID: 572348). An algorithm developed to predict the effect of missense changes on protein structure and function (PolyPhen-2) suggests that this variant is likely to be disruptive. In summary, the available evidence is currently insufficient to determine the role of this variant in disease. Therefore, it has been classified as a Variant of Uncertain Significance.

PreventionGenetics, part of Exact Sciences
Classification: Uncertain significance for TINF2-related condition. Last evaluated: 2024-12-31. Review status: criteria provided, single submitter. Criteria: ACMG Guidelines, 2015. Collection method: clinical testing. Allele origin: germline.
Comment: The TINF2 c.403C>T variant is predicted to result in the amino acid substitution p.Leu135Phe. To our knowledge, this variant has not been reported in the literature. This variant is reported in 0.011% of alleles in individuals of European (Non-Finnish) descent in gnomAD. Although we suspect this variant may be benign, at this time, the clinical significance of this variant is uncertain due to the absence of conclusive functional and genetic evidence.

GeneDx
Classification: Uncertain significance. Last evaluated: 2022-02-10. Review status: criteria provided, single submitter. Criteria: GeneDx Variant Classification Process June 2021. Collection method: clinical testing. Allele origin: germline. Affected: yes.
Comment: In silico analysis supports that this missense variant does not alter protein structure/function; Has not been previously published as pathogenic or benign to our knowledge

Mayo Clinic Laboratories, Mayo Clinic
Classification: Uncertain significance. Last evaluated: 2021-10-27. Review status: criteria provided, single submitter. Criteria: ACMG Guidelines, 2015. Collection method: clinical testing. Allele origin: germline.

Fulgent Genetics
Classification: Uncertain significance for Dyskeratosis congenita, autosomal dominant 1; Revesz syndrome; Dyskeratosis congenita, autosomal dominant 3. Last evaluated: 2021-07-20. Review status: criteria provided, single submitter. Criteria: ACMG Guidelines, 2015. Collection method: clinical testing. Allele origin: unknown.

Sema4
Classification: Uncertain significance for Dyskeratosis congenita. Last evaluated: 2021-06-25. Review status: criteria provided, single submitter. Criteria: Sema4 Curation Guidelines. Collection method: curation. Allele origin: germline.
Comment: The TINF2 c.403C>T (p.L135F) variant has not been reported in the literature to our knowledge. It was observed in 14/128704 chromosomes, including 0 homozygotes, of the Non-Finnish European subpopulation in the large and broad cohorts of the Genome Aggregation Database (PMID: 32461654). The variant has been reported in ClinVar (Variation ID: 572348). In silico tools suggest the impact of the variant on protein function is inconclusive, though these predictions have not been confirmed by functional studies. The evidence is insufficient to meet ACMG/AMP criteria for classifying the variant as benign or pathogenic. Thus, the clinical significance of this variant is currently uncertain.

NM_001099274.3(TINF2):c.403C>T (p.Leu135Phe)

Gene: TINF2 (TERF1 interacting nuclear factor 2; minus strand). Cytogenetic location: 14q12.
Variant type: single nucleotide variant.
Coding change: c.403C>T on transcript NM_001099274.3 (MANE Select); coding-DNA position 403, C replaced by T.
Protein change: p.Leu135Phe; replaces leucine 135 with phenylalanine.
Molecular consequence: missense variant.
Genome position (GRCh38, 1-based): chr14:24,241,308, G>A on the plus strand (C>T on the coding strand, the complement: TINF2 is on the minus strand). VCF-style: chr14-24241308-G-A. GRCh37 (hg19) VCF-style: chr14-24710514-G-A.
Other names: p.Leu135Phe; c.298C>T, p.Leu100Phe (NM_001363668.2); c.403C>T, p.Leu135Phe (NM_012461.3); short protein forms L135F, L100F.
Identifiers: ClinVar variation 572348 (VCV000572348.19), dbSNP rs199740488, ClinGen allele CA7130659.
Genomic context (GRCh38, chr14:24,241,308, plus strand): 5'-AGTACTCAAAAAGCAGCTTTTCCATGGCAGCCAGAAAGGGTTCCCCATACTCTTGTTCAA[G>A]TTCCTACAGCAGGGGAGATTAGGTCAAAAGTGGGTTAGTGGCCAGGCACGGTGGCTCACG-3'
Protein context (NP_001092744.1, residues 125-145): PVDLASKLQE[Leu135Phe]EQEYGEPFLA